The following is an entry in ClinVar:

NM_005359.6(SMAD4):c.695G>A (p.Ser232Asn)

Gene: SMAD4 (SMAD family member 4; plus strand). Cytogenetic location: 18q21.2.
Variant type: single nucleotide variant.
Coding change: c.695G>A on transcript NM_005359.6 (MANE Select); coding-DNA position 695, G replaced by A.
Protein change: p.Ser232Asn; replaces serine 232 with asparagine.
Molecular consequence: missense variant.
Genome position (GRCh38, 1-based): chr18:51,058,152, G>A. VCF-style: chr18-51058152-G-A. GRCh37 (hg19) VCF-style: chr18-48584522-G-A.
Other names: short protein forms S232N.
Identifiers: ClinVar variation 1436692 (VCV001436692.8), dbSNP rs1909891695, ClinGen allele CA402462690.

ClinVar aggregate classification (germline): Uncertain significance (1 of 4 stars; one submission).

Conditions:
Juvenile polyposis syndrome (JPS). Identifiers: Orphanet 2929, MedGen C0345893, MONDO:0017380, OMIM 174900.

Allele frequency attached by ClinVar (database versions not stated): gnomAD 0.00001.
gnomAD v4.1: 1 of 1,614,068 alleles (0.000062%); highest among the groups gnomAD compares: South Asian, 0.0011%; no homozygotes.

Submission:

Labcorp Genetics (formerly Invitae), Labcorp
Classification: Uncertain significance for Juvenile polyposis syndrome. Last evaluated: 2021-01-05. Review status: criteria provided, single submitter. Criteria: Invitae Variant Classification Sherloc (09022015). Collection method: clinical testing. Allele origin: germline.
Comment: Advanced modeling of protein sequence and biophysical properties (such as structural, functional, and spatial information, amino acid conservation, physicochemical variation, residue mobility, and thermodynamic stability) performed at Invitae indicates that this missense variant is not expected to disrupt SMAD4 protein function. This sequence change replaces serine with asparagine at codon 232 of the SMAD4 protein (p.Ser232Asn). The serine residue is moderately conserved and there is a small physicochemical difference between serine and asparagine. This variant is not present in population databases (ExAC no frequency). This variant has not been reported in the literature in individuals with SMAD4-related conditions. In summary, the available evidence is currently insufficient to determine the role of this variant in disease. Therefore, it has been classified as a Variant of Uncertain Significance.